The following is an entry in ClinVar:

ClinVar aggregate classification (germline): Uncertain significance (1 of 4 stars; one submission).

gnomAD v4.1: 1 of 1,608,516 alleles (0.000062%); highest among the groups gnomAD compares: African/African-American, 0.0013%; no homozygotes.

Submission:

GeneDx
Classification: Uncertain significance. Last evaluated: 2025-06-05. Review status: criteria provided, single submitter. Criteria: GeneDx Variant Classification Process June 2021. Collection method: clinical testing. Allele origin: germline. Affected: yes.
Comment: Not observed at significant frequency in large population cohorts (gnomAD); In silico analysis supports that this missense variant has a deleterious effect on protein structure/function; Has not been previously published as pathogenic or benign to our knowledge

NM_006885.4(ZFHX3):c.6206C>T (p.Pro2069Leu)

Genes: ZFHX3-AS1 (ZFHX3 antisense RNA 1; plus strand), ZFHX3 (zinc finger homeobox 3; minus strand). Cytogenetic location: 16q22.2.
Variant type: single nucleotide variant.
Coding change: c.6206C>T on transcript NM_006885.4 (MANE Select); coding-DNA position 6206, C replaced by T.
Protein change: p.Pro2069Leu; replaces proline 2069 with leucine.
Molecular consequence: missense variant.
Genome position (GRCh38, 1-based): chr16:72,796,476, G>A on the plus strand (C>T on the coding strand, the complement: ZFHX3 is on the minus strand). VCF-style: chr16-72796476-G-A. GRCh37 (hg19) VCF-style: chr16-72830375-G-A.
Other names: c.3464C>T, p.Pro1155Leu (NM_001164766.2); c.6206C>T, p.Pro2069Leu (NM_001386735.1); short protein forms P1155L, P2069L.
Identifiers: ClinVar variation 4536178 (VCV004536178.1).